The following is an entry in ClinVar:

ClinVar aggregate classification (germline): Likely benign. Review status: criteria provided, multiple submitters, no conflicts (2 of 4 stars). 4 submissions from 4 submitters: Likely benign (4). Last evaluated 2025-03-16.

Conditions:
Hypertrophic cardiomyopathy. Also called: HYPERTROPHIC MYOCARDIOPATHY. Identifiers: Orphanet 217569, MedGen C0007194, MeSH D002312, MONDO:0005045, HP:0001639.
Cardiomyopathy (CMYO). Also called: Cardiomyopathies. Identifiers: Orphanet 167848, MedGen C0878544, MONDO:0004994, HP:0001638. Inheritance: Various modes of inheritance.
Hypertrophic cardiomyopathy 11. Also called: ACTC1-Related Familial Hypertrophic Cardiomyopathy. Identifiers: MedGen C2677506, MONDO:0012799, OMIM 612098.
Dilated cardiomyopathy 1R (CMD1R). Identifiers: Orphanet 154, Orphanet 54260, MedGen C3150681, MONDO:0013261, OMIM 613424.
Atrial septal defect 5 (ASD5). Identifiers: Orphanet 1478, MedGen C2748552, MONDO:0013011, OMIM 612794.

Allele frequency attached by ClinVar (database versions not stated): gnomAD exomes below 0.00001; TOPMed below 0.00001; gnomAD 0.00001.
gnomAD v4.1: 5 of 1,613,252 alleles (0.00031%); highest among the groups gnomAD compares: Non-Finnish European, 0.00034%; no homozygotes.

Submissions (4):

Labcorp Genetics (formerly Invitae), Labcorp
Classification: Likely benign for Dilated cardiomyopathy 1R; Hypertrophic cardiomyopathy 11; Atrial septal defect 5. Last evaluated: 2025-03-16. Review status: criteria provided, single submitter. Criteria: Invitae Variant Classification Sherloc (09022015). Collection method: clinical testing. Allele origin: germline.

All of Us Research Program, National Institutes of Health
Classification: Likely benign for Hypertrophic cardiomyopathy. Last evaluated: 2023-11-20. Review status: criteria provided, single submitter. Criteria: ACMG Guidelines, 2015. Collection method: clinical testing. Allele origin: germline. Inheritance: Autosomal dominant inheritance. Observed: 3 variant alleles, 3 heterozygotes.
Comment: This study involves interpretation of variants in research participants for the purpose of population health screening. Participant phenotype was not available at the time of variant classification. Additional details can be found in publication PMID: 35346344, PMCID: PMC8962531

Phosphorus, Inc.
Classification: Likely benign. Last evaluated: 2022-01-14. Review status: criteria provided, single submitter. Criteria: ACMG Guidelines, 2015. Collection method: clinical testing. Allele origin: germline. Inheritance: Autosomal dominant inheritance.
Comment: This synonymous variant is very rare, and it has not occurred in GnomAD population databases. This position is not conserved. In silico splicing algorithm predicted no impact on splicing, but no functional studies were performed to confirm this prediction. This variant NM_005159.5(ACTC1):c.81C>T (p.Asp27=) is present in the ClinVar database (ID: 1171030). The variant has not occurred in the literature in association with the disease. Considering the above evidence, it has been classified as Likely Benign.

Color Diagnostics, LLC DBA Color Health
Classification: Likely benign for Cardiomyopathy. Last evaluated: 2020-08-17. Review status: criteria provided, single submitter. Criteria: ACMG Guidelines, 2015. Collection method: clinical testing. Allele origin: germline.

NM_005159.5(ACTC1):c.81C>T (p.Asp27=)

Genes: GJD2-DT (GJD2 divergent transcript; plus strand), ACTC1 (actin alpha cardiac muscle 1; minus strand). Cytogenetic location: 15q14.
Variant type: single nucleotide variant.
Coding change: c.81C>T on transcript NM_005159.5 (MANE Select); coding-DNA position 81, C replaced by T.
Protein change: p.Asp27=; no amino-acid change (aspartic acid 27 retained).
Molecular consequence: synonymous variant.
Genome position (GRCh38, 1-based): chr15:34,794,728, G>A on the plus strand (C>T on the coding strand, the complement: ACTC1 is on the minus strand). VCF-style: chr15-34794728-G-A. GRCh37 (hg19) VCF-style: chr15-35086929-G-A.
Identifiers: ClinVar variation 1171030 (VCV001171030.9), dbSNP rs753552901, ClinGen allele CA042922.